The following is an entry in ClinVar:

ClinVar aggregate classification (germline): Benign/Likely benign. Review status: criteria provided, multiple submitters, no conflicts (2 of 4 stars). 3 submissions from 3 submitters: Benign (2); Likely benign (1). Last evaluated 2025-12-28.

Conditions:
Duchenne muscular dystrophy (DMD). Also called: MUSCULAR DYSTROPHY, PSEUDOHYPERTROPHIC PROGRESSIVE, DUCHENNE TYPE; Duchenne Muscular Dystrophy (DMD). Identifiers: Orphanet 98896, MedGen C0013264, MONDO:0010679, OMIM 310200.

Allele frequency attached by ClinVar (database versions not stated): TOPMed 0.00002; gnomAD 0.00003 and 0.00007; gnomAD exomes 0.00005 and 0.00013; ExAC 0.00008.
gnomAD v4.1: 64 of 1,193,955 alleles (0.0054%); highest among the groups gnomAD compares: East Asian, 0.15%; no homozygotes.

Submissions (3):

Labcorp Genetics (formerly Invitae), Labcorp
Classification: Benign for Duchenne muscular dystrophy. Last evaluated: 2025-12-28. Review status: criteria provided, single submitter. Criteria: Invitae Variant Classification Sherloc (09022015). Collection method: clinical testing. Allele origin: germline.

Blueprint Genetics
Classification: Benign. Last evaluated: 2024-11-27. Review status: criteria provided, single submitter. Criteria: ACMG Guidelines, 2015. Collection method: clinical testing. Allele origin: germline.

GeneDx
Classification: Likely benign. Last evaluated: 2017-06-30. Review status: criteria provided, single submitter. Criteria: GeneDx Variant Classification (06012015). Collection method: clinical testing. Allele origin: germline. Affected: yes.
Comment: This variant is considered likely benign or benign based on one or more of the following criteria: it is a conservative change, it occurs at a poorly conserved position in the protein, it is predicted to be benign by multiple in silico algorithms, and/or has population frequency not consistent with disease.

NM_004006.3(DMD):c.2169-17A>C

Gene: DMD (dystrophin; minus strand). Cytogenetic location: Xp21.1.
Variant type: single nucleotide variant.
Coding change: c.2169-17A>C on transcript NM_004006.3 (MANE Select); 17 bases into the intron before coding-DNA position 2169, A replaced by C.
Molecular consequence: intron variant.
Genome position (GRCh38, 1-based): chrX:32,518,148, T>G on the plus strand (A>C on the coding strand, the complement: DMD is on the minus strand). VCF-style: chrX-32518148-T-G. GRCh37 (hg19) VCF-style: chrX-32536265-T-G.
Other names: c.2145-17A>C (NM_000109.4); c.2157-17A>C (NM_004009.3); c.1800-17A>C (NM_004010.3).
Identifiers: ClinVar variation 506764 (VCV000506764.10), dbSNP rs374885558, ClinGen allele CA10379609.